The following is an entry in ClinVar:

ClinVar aggregate classification (germline): Uncertain significance. Review status: criteria provided, multiple submitters, no conflicts (2 of 4 stars). 2 submissions from 2 submitters: Uncertain significance (2). Last evaluated 2025-09-17.

Conditions:
Cardiovascular phenotype. Identifiers: MedGen CN230736.
Progressive familial heart block type IB (PFHB1B). Identifiers: Orphanet 871, MedGen C1970298, MONDO:0011474, OMIM 604559.

Allele frequency attached by ClinVar (database versions not stated): gnomAD 0.00001; TOPMed 0.00002; gnomAD exomes 0.00003 and 0.00009; ESP Exome Variant Server 0.00008; ExAC 0.00018.
gnomAD v4.1: 51 of 1,607,722 alleles (0.0032%); highest among the groups gnomAD compares: Non-Finnish European, 0.0039%; no homozygotes.

Submissions (2):

Ambry Genetics
Classification: Uncertain significance for Cardiovascular phenotype. Last evaluated: 2025-09-17. Review status: criteria provided, single submitter. Criteria: Ambry Variant Classification Scheme 2023. Collection method: clinical testing. Allele origin: germline.
Comment: The c.1150+5A>T intronic variant results from an A to T substitution 5 nucleotides after coding exon 9 in the TRPM4 gene. This nucleotide position is poorly conserved in available vertebrate species. In silico splice site analysis predicts that this alteration will not have any significant effect on splicing. Based on the available evidence, the clinical significance of this variant remains unclear.

Labcorp Genetics (formerly Invitae), Labcorp
Classification: Uncertain significance for Progressive familial heart block type IB. Last evaluated: 2024-03-18. Review status: criteria provided, single submitter. Criteria: Invitae Variant Classification Sherloc (09022015). Collection method: clinical testing. Allele origin: germline.
Comment: This sequence change falls in intron 9 of the TRPM4 gene. It does not directly change the encoded amino acid sequence of the TRPM4 protein. It affects a nucleotide within the consensus splice site. This variant is present in population databases (rs200371133, gnomAD 0.02%). This variant has not been reported in the literature in individuals affected with TRPM4-related conditions. ClinVar contains an entry for this variant (Variation ID: 945615). Variants that disrupt the consensus splice site are a relatively common cause of aberrant splicing (PMID: 17576681, 9536098). Algorithms developed to predict the effect of sequence changes on RNA splicing suggest that this variant is not likely to affect RNA splicing. In summary, the available evidence is currently insufficient to determine the role of this variant in disease. Therefore, it has been classified as a Variant of Uncertain Significance.

Literature cited by the submitters: PubMed 17576681 (cited by Labcorp Genetics (formerly Invitae), Labcorp); PubMed 9536098 (cited by Labcorp Genetics (formerly Invitae), Labcorp).

NM_017636.4(TRPM4):c.1150+5A>T

Gene: TRPM4 (transient receptor potential cation channel subfamily M member 4; plus strand). Cytogenetic location: 19q13.33.
Variant type: single nucleotide variant.
Coding change: c.1150+5A>T on transcript NM_017636.4 (MANE Select); 5 bases into the intron after coding-DNA position 1150, A replaced by T.
Molecular consequence: intron variant.
Genome position (GRCh38, 1-based): chr19:49,172,113, A>T. VCF-style: chr19-49172113-A-T. GRCh37 (hg19) VCF-style: chr19-49675370-A-T.
Other names: c.1150+5A>T (NM_001195227.2); c.-404+5A>T (NM_001321282.2); c.805+5A>T (NM_001321281.2); c.628+5A>T (NM_001321283.2); c.201+344A>T (NM_001321285.2).
Identifiers: ClinVar variation 945615 (VCV000945615.12), dbSNP rs200371133, ClinGen allele CA9569089.
Genomic context (GRCh38, chr19:49,172,113, plus strand): 5'-TTCTGAGGATGGGTCTGAGGAATTCGAGACCATAGTTTTGAAGGCCCTTGTGAAGGGTAA[A>T]AGTTGTACCCTCCAGTCTTCCCCCTCTCTCAGTTCAACCTTAGACACCTTTCCTGGCCTG-3'